The following is an entry in ClinVar:

NM_001277058.2(ERCC6):c.2278C>T (p.Arg760Trp)

Genes: ERCC6 (ERCC excision repair 6, chromatin remodeling factor; minus strand), PGBD3 (piggyBac transposable element derived 3; minus strand). Cytogenetic location: 10q11.23.
Variant type: single nucleotide variant.
Coding change: c.2278C>T on transcript NM_001277058.2 (MANE Plus Clinical); coding-DNA position 2278, C replaced by T.
Protein change: p.Arg760Trp; replaces arginine 760 with tryptophan.
Molecular consequence: missense variant. On other transcripts: intron variant (2).
Genome position (GRCh38, 1-based): chr10:49,516,241, G>A on the plus strand (C>T on the coding strand, the complement: ERCC6 is on the minus strand). VCF-style: chr10-49516241-G-A. GRCh37 (hg19) VCF-style: chr10-50724287-G-A.
Other names: c.2278C>T, p.Arg760Trp (NM_001277059.2); c.874C>T, p.Arg292Trp (NM_170753.3); c.1397+7792C>T (NM_001346440.2, NM_000124.4); short protein forms R292W, R760W.
Identifiers: ClinVar variation 4686741 (VCV004686741.1).

ClinVar aggregate classification (germline): Uncertain significance (1 of 4 stars; one submission).

gnomAD v4.1: 102 of 1,614,022 alleles (0.0063%); highest among the groups gnomAD compares: Non-Finnish European, 0.007%; no homozygotes.

Submission:

GeneDx
Classification: Uncertain significance. Last evaluated: 2025-07-23. Review status: criteria provided, single submitter. Criteria: GeneDx Variant Classification Process June 2021. Collection method: clinical testing. Allele origin: germline. Affected: yes.
Comment: In silico analysis supports that this missense variant has a deleterious effect on protein structure/function; Has not been previously published as pathogenic or benign to our knowledge; Reported using an alternate transcript of the gene